The following is an entry in ClinVar:

NM_001111.5(ADAR):c.701C>T (p.Ser234Phe)

Gene: ADAR (adenosine deaminase RNA specific; minus strand). Cytogenetic location: 1q21.3.
Variant type: single nucleotide variant.
Coding change: c.701C>T on transcript NM_001111.5 (MANE Select); coding-DNA position 701, C replaced by T.
Protein change: p.Ser234Phe; replaces serine 234 with phenylalanine.
Molecular consequence: missense variant. On other transcripts: 5 prime UTR variant (6).
Genome position (GRCh38, 1-based): chr1:154,601,941, G>A on the plus strand (C>T on the coding strand, the complement: ADAR is on the minus strand). VCF-style: chr1-154601941-G-A. GRCh37 (hg19) VCF-style: chr1-154574417-G-A.
Other names: c.-185C>T (NM_001025107.3, NM_001193495.2, NM_001365046.1 and 3 more transcripts); c.728C>T, p.Ser243Phe (NM_001365045.1); c.701C>T, p.Ser234Phe (NM_015840.4, NM_015841.4); short protein forms S234F, S243F.
Identifiers: ClinVar variation 3763723 (VCV003763723.2).

ClinVar aggregate classification (germline): Uncertain significance (1 of 4 stars; one submission).

Conditions:
Symmetrical dyschromatosis of extremities (DSH). Also called: DYSCHROMATOSIS SYMMETRICA HEREDITARIA 1; RETICULATE ACROPIGMENTATION OF DOHI; SYMMETRIC DYSCHROMATOSIS OF THE EXTREMITIES; Dyschromatosis symmetrica hereditaria. Identifiers: Orphanet 41, MedGen C0406775, MONDO:0007483, OMIM 127400.
Aicardi-Goutieres syndrome 6 (AGS6). Identifiers: Orphanet 51, MedGen C3539013, MONDO:0014007, OMIM 615010.

gnomAD v4.1: 1 of 1,613,910 alleles (0.000062%); highest among the groups gnomAD compares: African/African-American, 0.0013%; no homozygotes.

Submission:

Labcorp Genetics (formerly Invitae), Labcorp
Classification: Uncertain significance for Aicardi-Goutieres syndrome 6; Symmetrical dyschromatosis of extremities. Last evaluated: 2024-02-06. Review status: criteria provided, single submitter. Criteria: Invitae Variant Classification Sherloc (09022015). Collection method: clinical testing. Allele origin: germline.
Comment: This sequence change replaces serine, which is neutral and polar, with phenylalanine, which is neutral and non-polar, at codon 234 of the ADAR protein (p.Ser234Phe). This variant is present in population databases (rs769223848, gnomAD 0.0009%). This variant has not been reported in the literature in individuals affected with ADAR-related conditions. Algorithms developed to predict the effect of missense changes on protein structure and function output the following: SIFT: "Not Available"; PolyPhen-2: "Not Available"; Align-GVGD: "Not Available". The phenylalanine amino acid residue is found in multiple mammalian species, which suggests that this missense change does not adversely affect protein function. In summary, the available evidence is currently insufficient to determine the role of this variant in disease. Therefore, it has been classified as a Variant of Uncertain Significance.